The following is an entry in ClinVar:

NM_005589.4(ALDH6A1):c.*1181G>A

Genes: ALDH6A1 (aldehyde dehydrogenase 6 family member A1; minus strand), BBOF1 (basal body orientation factor 1; plus strand). Cytogenetic location: 14q24.3.
Variant type: single nucleotide variant.
Coding change: c.*1181G>A on transcript NM_005589.4 (MANE Select); 1181 bases downstream of the stop codon, G replaced by A.
Molecular consequence: 3 prime UTR variant. On other transcripts: intron variant (1).
Genome position (GRCh38, 1-based): chr14:74,059,461, C>T on the plus strand (G>A on the coding strand, the complement: ALDH6A1 is on the minus strand). VCF-style: chr14-74059461-C-T. GRCh37 (hg19) VCF-style: chr14-74526164-C-T.
Other names: c.*1181G>A (NM_001278593.2, NM_001278594.2); c.1578+2203C>T (NM_025057.3).
Identifiers: ClinVar variation 886800 (VCV000886800.4), dbSNP rs150649694, ClinGen allele CA263533974.
Genomic context (GRCh38, chr14:74,059,461, plus strand): 5'-ATTATTTGCATCTGGCTGGGTGTGGTGGCTCATGCCTGTAATCCCAGCACTTTGGGAGGC[C>T]GAGGCAGGCGGATCACCTGAGGTCAGGAGTTCGAGACCAGCCTGACCAACACGGAGAAAC-3'

ClinVar aggregate classification (germline): Benign (1 of 4 stars; one submission).

Conditions:
Methylmalonate semialdehyde dehydrogenase deficiency (MMSDHD). Also called: MMSDH DEFICIENCY. Identifiers: Orphanet 289307, MedGen C3279840, MONDO:0013579, OMIM 614105.

Allele frequency attached by ClinVar (database versions not stated): 1000 Genomes Project 0.01238; gnomAD 0.01417 and 0.01512; 1000 Genomes Project 30x 0.01421; TOPMed 0.01569.
gnomAD v4.1: 2,742 of 443,418 alleles (0.62%); highest among the groups gnomAD compares: African/African-American, 4.8%; 60 homozygotes.

Submission:

Illumina Laboratory Services, Illumina
Classification: Benign for Methylmalonate semialdehyde dehydrogenase deficiency. Last evaluated: 2018-01-13. Review status: criteria provided, single submitter. Criteria: ICSL Variant Classification Criteria 13 December 2019. Collection method: clinical testing. Allele origin: germline.
Comment: This variant was observed in the ICSL laboratory as part of a predisposition screen in an ostensibly healthy population. It had not been previously curated by ICSL or reported in the Human Gene Mutation Database (HGMD: prior to June 1st, 2018), and was therefore a candidate for classification through an automated scoring system. Utilizing variant allele frequency, disease prevalence and penetrance estimates, and inheritance mode, an automated score was calculated to assess if this variant is too frequent to cause the disease. Based on the score and internal cut-off values, a variant classified as benign is not then subjected to further curation. The score for this variant resulted in a classification of benign for this disease.